The following is an entry in ClinVar:

NM_000138.5(FBN1):c.341G>T (p.Arg114Ile)

Gene: FBN1 (fibrillin 1; minus strand). Cytogenetic location: 15q21.1.
Variant type: single nucleotide variant.
Coding change: c.341G>T on transcript NM_000138.5 (MANE Select); coding-DNA position 341, G replaced by T.
Protein change: p.Arg114Ile; replaces arginine 114 with isoleucine.
Molecular consequence: missense variant.
Genome position (GRCh38, 1-based): chr15:48,610,733, C>A on the plus strand (G>T on the coding strand, the complement: FBN1 is on the minus strand). VCF-style: chr15-48610733-C-A. GRCh37 (hg19) VCF-style: chr15-48902930-C-A.
Other names: c.341G>T, p.Arg114Ile (NM_001406716.1, NM_001406717.1); short protein forms R114I.
Identifiers: ClinVar variation 3386867 (VCV003386867.1).

ClinVar aggregate classification (germline): Uncertain significance (1 of 4 stars; one submission).

Conditions:
Marfan syndrome (MFS). Also called: MARFAN SYNDROME, TYPE I; Marfan syndrome type 1; Marfan's syndrome; FBN1-Related Marfan Syndrome; Marfan syndrome, classic. Identifiers: Orphanet 284963, Orphanet 558, MedGen C0024796, MONDO:0007947, OMIM 154700.

Submission:

All of Us Research Program, National Institutes of Health
Classification: Uncertain significance for Marfan syndrome. Last evaluated: 2024-08-23. Review status: criteria provided, single submitter. Criteria: ACMG Guidelines, 2015. Collection method: clinical testing. Allele origin: germline. Inheritance: Autosomal dominant inheritance. Observed: 1 variant allele, 1 heterozygote.
Comment: This missense variant replaces arginine with isoleucine at codon 114 of the FBN1 protein. Computational prediction tools indicate that this variant has a neutral impact on protein structure and function. To our knowledge, functional studies have not been reported for this variant. This variant has not been reported in individuals affected with FBN1-related disorders in the literature. This variant has not been identified in the general population by the Genome Aggregation Database (gnomAD). The available evidence is insufficient to determine the role of this variant in disease conclusively. Therefore, this variant is classified as a Variant of Uncertain Significance.

This study involves interpretation of variants in research participants for the purpose of population health screening. Participant phenotype was not available at the time of variant classification. Additional details can be found in publication PMID: 35346344, PMCID: PMC8962531